The following is an entry in ClinVar:

ClinVar aggregate classification (germline): Uncertain significance (1 of 4 stars; one submission).

Conditions:
Arrhythmogenic right ventricular dysplasia 12. Also called: ARRHYTHMOGENIC RIGHT VENTRICULAR DYSPLASIA, FAMILIAL, 12. Identifiers: MedGen C1969081, MONDO:0012684, OMIM 611528.
Naxos disease (NXD). Also called: KERATOSIS PALMOPLANTARIS WITH ARRHYTHMOGENIC CARDIOMYOPATHY; MAL DE NAXOS; PALMOPLANTAR KERATODERMA WITH ARRHYTHMOGENIC RIGHT VENTRICULAR CARDIOMYOPATHY AND WOOLLY HAIR; WOOLLY HAIR, PALMOPLANTAR KERATODERMA, AND CARDIAC ABNORMALITIES; CARDIOMYOPATHY, ARRHYTHMOGENIC RIGHT VENTRICULAR, WITH SKIN, HAIR, AND NAIL ABNORMALITIES. Identifiers: Orphanet 34217, MedGen C1832600, MONDO:0011017, OMIM 601214.

Submission:

Labcorp Genetics (formerly Invitae), Labcorp
Classification: Uncertain significance for Arrhythmogenic right ventricular dysplasia 12; Naxos disease. Last evaluated: 2024-12-02. Review status: criteria provided, single submitter. Criteria: Invitae Variant Classification Sherloc (09022015). Collection method: clinical testing. Allele origin: germline.
Comment: This sequence change replaces arginine, which is basic and polar, with leucine, which is neutral and non-polar, at codon 115 of the JUP protein (p.Arg115Leu). This variant is not present in population databases (gnomAD no frequency). This variant has not been reported in the literature in individuals affected with JUP-related conditions. An algorithm developed to predict the effect of missense changes on protein structure and function (PolyPhen-2) suggests that this variant is likely to be tolerated. In summary, the available evidence is currently insufficient to determine the role of this variant in disease. Therefore, it has been classified as a Variant of Uncertain Significance.

NM_002230.4(JUP):c.344G>T (p.Arg115Leu)

Gene: JUP (junction plakoglobin; minus strand). Cytogenetic location: 17q21.2.
Variant type: single nucleotide variant.
Coding change: c.344G>T on transcript NM_002230.4 (MANE Select); coding-DNA position 344, G replaced by T.
Protein change: p.Arg115Leu; replaces arginine 115 with leucine.
Molecular consequence: missense variant.
Genome position (GRCh38, 1-based): chr17:41,769,542, C>A on the plus strand (G>T on the coding strand, the complement: JUP is on the minus strand). VCF-style: chr17-41769542-C-A. GRCh37 (hg19) VCF-style: chr17-39925794-C-A.
Other names: c.344G>T, p.Arg115Leu (NM_001352773.2, NM_001352774.2, NM_001352775.2 and 3 more transcripts); short protein forms R115L.
Identifiers: ClinVar variation 3759934 (VCV003759934.2).